The following is an entry in ClinVar:

ClinVar aggregate classification (germline): Uncertain significance. Review status: criteria provided, multiple submitters, no conflicts (2 of 4 stars). 2 submissions from 2 submitters: Uncertain significance (2). Last evaluated 2025-02-06.

Conditions:
Inborn genetic diseases. Identifiers: MedGen C0950123, MeSH D030342.

Allele frequency attached by ClinVar (database versions not stated): TOPMed below 0.00001; ExAC 0.00005.
gnomAD v4.1: 44 of 1,556,442 alleles (0.0028%); highest among the groups gnomAD compares: Non-Finnish European, 0.003%; no homozygotes.

Submissions (2):

Ambry Genetics
Classification: Uncertain significance for Inborn genetic diseases. Last evaluated: 2025-02-06. Review status: criteria provided, single submitter. Criteria: Ambry Variant Classification Scheme 2023. Collection method: clinical testing. Allele origin: germline.

Labcorp Genetics (formerly Invitae), Labcorp
Classification: Uncertain significance. Last evaluated: 2023-10-13. Review status: criteria provided, single submitter. Criteria: Invitae Variant Classification Sherloc (09022015). Collection method: clinical testing. Allele origin: germline.
Comment: This sequence change replaces proline, which is neutral and non-polar, with alanine, which is neutral and non-polar, at codon 288 of the GUCY2C protein (p.Pro288Ala). This variant is present in population databases (rs201829305, gnomAD 0.009%). This variant has not been reported in the literature in individuals affected with GUCY2C-related conditions. Advanced modeling of protein sequence and biophysical properties (such as structural, functional, and spatial information, amino acid conservation, physicochemical variation, residue mobility, and thermodynamic stability) performed at Invitae indicates that this missense variant is not expected to disrupt GUCY2C protein function. In summary, the available evidence is currently insufficient to determine the role of this variant in disease. Therefore, it has been classified as a Variant of Uncertain Significance.

NM_004963.4(GUCY2C):c.862C>G (p.Pro288Ala)

Genes: GUCY2C (guanylate cyclase 2C; minus strand), GUCY2C-AS1 (GUCY2C antisense RNA 1; plus strand). Cytogenetic location: 12p12.3.
Variant type: single nucleotide variant.
Coding change: c.862C>G on transcript NM_004963.4 (MANE Select); coding-DNA position 862, C replaced by G.
Protein change: p.Pro288Ala; replaces proline 288 with alanine.
Molecular consequence: missense variant.
Genome position (GRCh38, 1-based): chr12:14,676,940, G>C on the plus strand (C>G on the coding strand, the complement: GUCY2C is on the minus strand). VCF-style: chr12-14676940-G-C. GRCh37 (hg19) VCF-style: chr12-14829874-G-C.
Other names: c.862C>G (NM_004963.3); short protein forms P288A.
Identifiers: ClinVar variation 2876438 (VCV002876438.4), dbSNP rs201829305, ClinGen allele CA6463628.
Genomic context (GRCh38, chr12:14,676,940, plus strand): 5'-TATTTAGAAGGGAATTCCCAGGAGACAGCGTCAGAACAAGGACATTTTTCATATAGTCAG[G>C]GGCTGTGACATTGTCCTCAAAGTACTGGTCACTGTAATAAAAAGCACAGGTTCCTCATGA-3'
Protein context (NP_004954.2, residues 278-298): DQYFEDNVTA[Pro288Ala]DYMKNVLVLT